The following is an entry in ClinVar:

ClinVar aggregate classification (germline): Uncertain significance (1 of 4 stars; one submission).

gnomAD v4.1: 35 of 1,613,784 alleles (0.0022%); highest among the groups gnomAD compares: Non-Finnish European, 0.003%; no homozygotes.

Submission:

Labcorp Genetics (formerly Invitae), Labcorp
Classification: Uncertain significance. Last evaluated: 2025-07-28. Review status: criteria provided, single submitter. Criteria: Invitae Variant Classification Sherloc (09022015). Collection method: clinical testing. Allele origin: germline.
Comment: This sequence change replaces alanine, which is neutral and non-polar, with serine, which is neutral and polar, at codon 150 of the LYN protein (p.Ala150Ser). This variant is present in population databases (rs141769918, gnomAD 0.005%). This variant has not been reported in the literature in individuals affected with LYN-related conditions. ClinVar contains an entry for this variant (Variation ID: 2417831). An algorithm developed to predict the effect of missense changes on protein structure and function (PolyPhen-2) suggests that this variant is likely to be tolerated. In summary, the available evidence is currently insufficient to determine the role of this variant in disease. Therefore, it has been classified as a Variant of Uncertain Significance.

NM_002350.4(LYN):c.448G>T (p.Ala150Ser)

Gene: LYN (LYN proto-oncogene, Src family tyrosine kinase; plus strand). Cytogenetic location: 8q12.1.
Variant type: single nucleotide variant.
Coding change: c.448G>T on transcript NM_002350.4 (MANE Select); coding-DNA position 448, G replaced by T.
Protein change: p.Ala150Ser; replaces alanine 150 with serine.
Molecular consequence: missense variant.
Genome position (GRCh38, 1-based): chr8:55,950,745, G>T. VCF-style: chr8-55950745-G-T. GRCh37 (hg19) VCF-style: chr8-56863304-G-T.
Other names: c.385G>T, p.Ala129Ser (NM_001111097.3); short protein forms A129S, A150S.
Identifiers: ClinVar variation 2417831 (VCV002417831.6), dbSNP rs141769918, ClinGen allele CA4754027.
Genomic context (GRCh38, chr8:55,950,745, plus strand): 5'-TTTTTCAAGGATATAACCAGGAAGGACGCAGAAAGGCAGCTTTTGGCACCAGGAAATAGC[G>T]CTGGAGCTTTCCTTATTAGAGAAAGTGAAACATTAAAAGGTAGGAAATTGTTCAAAGCCT-3'
Protein context (NP_002341.1, residues 140-160): ERQLLAPGNS[Ala150Ser]GAFLIRESET